The following is an entry in ClinVar:

ClinVar aggregate classification (germline): Likely benign. Review status: criteria provided, multiple submitters, no conflicts (2 of 4 stars). 2 submissions from 2 submitters: Likely benign (2). Last evaluated 2024-12-01.

Allele frequency attached by ClinVar (database versions not stated): TOPMed 0.00002; gnomAD exomes 0.00003; ExAC 0.00004.
gnomAD v4.1: 41 of 1,609,740 alleles (0.0025%); highest among the groups gnomAD compares: Middle Eastern, 0.17%; no homozygotes.

Submissions (2):

CeGaT Center for Human Genetics Tuebingen
Classification: Likely benign. Last evaluated: 2024-12-01. Review status: criteria provided, single submitter. Criteria: CeGaT Center For Human Genetics Tuebingen Variant Classification Criteria Version 2. Collection method: clinical testing. Allele origin: germline. Affected: yes. Observed: 2 variant alleles.
Comment: ABCA2: BP4, BP7

Blueprint Genetics
Classification: Likely benign. Last evaluated: 2024-09-27. Review status: criteria provided, single submitter. Criteria: ACMG Guidelines, 2015. Collection method: clinical testing. Allele origin: germline.

NM_001606.5(ABCA2):c.4521C>T (p.Pro1507=)

Gene: ABCA2 (ATP binding cassette subfamily A member 2; minus strand). Cytogenetic location: 9q34.3.
Variant type: single nucleotide variant.
Coding change: c.4521C>T on transcript NM_001606.5 (MANE Select); coding-DNA position 4521, C replaced by T.
Protein change: p.Pro1507=; no amino-acid change (proline 1507 retained).
Molecular consequence: synonymous variant.
Genome position (GRCh38, 1-based): chr9:137,013,490, G>A on the plus strand (C>T on the coding strand, the complement: ABCA2 is on the minus strand). VCF-style: chr9-137013490-G-A. GRCh37 (hg19) VCF-style: chr9-139907942-G-A.
Other names: c.4518C>T, p.Pro1506= (NM_001411042.1); c.4611C>T, p.Pro1537= (NM_212533.3).
Identifiers: ClinVar variation 2659776 (VCV002659776.25), dbSNP rs750511784, ClinGen allele CA5354358.